The following is an entry in ClinVar:

NM_001009999.3(KDM1A):c.191A>G (p.Glu64Gly)

Gene: KDM1A (lysine demethylase 1A; plus strand). Cytogenetic location: 1p36.12.
Variant type: single nucleotide variant.
Coding change: c.191A>G on transcript NM_001009999.3 (MANE Select); coding-DNA position 191, A replaced by G.
Protein change: p.Glu64Gly; replaces glutamic acid 64 with glycine.
Molecular consequence: missense variant.
Genome position (GRCh38, 1-based): chr1:23,019,787, A>G. VCF-style: chr1-23019787-A-G. GRCh37 (hg19) VCF-style: chr1-23346280-A-G.
Other names: c.191A>G, p.Glu64Gly (NM_001363654.2, NM_001410762.1, NM_001410763.1 and 1 more transcripts); short protein forms E64G.
Identifiers: ClinVar variation 4042152 (VCV004042152.1).
Genomic context (GRCh38, chr1:23,019,787, plus strand): 5'-TGTCGGGCCCAGCCGAGGTCGGGCCGGGGGCGGTGGGGGAGCGCACACCCCGCAAGAAAG[A>G]GCCTCCGCGGGCCTCGCCCCCCGGGGGCCTGGCGGAACCGCCGGGGTCCGCAGGGCCTCA-3'
Protein context (NP_001009999.1, residues 54-74): AVGERTPRKK[Glu64Gly]PPRASPPGGL

ClinVar aggregate classification (germline): Uncertain significance (1 of 4 stars; one submission).

Conditions:
Inborn genetic diseases. Identifiers: MedGen C0950123, MeSH D030342.

Submission:

Ambry Genetics
Classification: Uncertain significance for Inborn genetic diseases. Last evaluated: 2025-05-23. Review status: criteria provided, single submitter. Criteria: Ambry Variant Classification Scheme 2023. Collection method: clinical testing. Allele origin: germline.
Comment: The p.E64G variant (also known as c.191A>G), located in coding exon 1 of the KDM1A gene, results from an A to G substitution at nucleotide position 191. The glutamic acid at codon 64 is replaced by glycine, an amino acid with similar properties. This amino acid position is conserved. In addition, this alteration is predicted to be tolerated by in silico analysis. Based on the available evidence, the clinical significance of this variant remains unclear.